The following is an entry in ClinVar:

NM_000038.6(APC):c.6307G>C (p.Ala2103Pro)

Gene: APC (APC regulator of Wnt signaling pathway; plus strand). Cytogenetic location: 5q22.2.
Variant type: single nucleotide variant.
Coding change: c.6307G>C on transcript NM_000038.6 (MANE Select); coding-DNA position 6307, G replaced by C.
Protein change: p.Ala2103Pro; replaces alanine 2103 with proline.
Molecular consequence: missense variant.
Genome position (GRCh38, 1-based): chr5:112,841,901, G>C. VCF-style: chr5-112841901-G-C. GRCh37 (hg19) VCF-style: chr5-112177598-G-C.
Other names: c.6307G>C, p.Ala2103Pro (NM_001127510.3, NM_001354895.2); c.6253G>C, p.Ala2085Pro (NM_001127511.3); c.6361G>C, p.Ala2121Pro (NM_001354896.2); c.6337G>C, p.Ala2113Pro (NM_001354897.2); c.6232G>C, p.Ala2078Pro (NM_001354898.2); c.6223G>C, p.Ala2075Pro (NM_001354899.2); c.6184G>C, p.Ala2062Pro (NM_001354900.2); c.6130G>C, p.Ala2044Pro (NM_001354901.2); and 5 more; short protein forms A1820P, A1977P, A2062P, A2085P, A2103P, A2075P, A2121P, A2012P.
Identifiers: ClinVar variation 1470488 (VCV001470488.7), dbSNP rs1766185453, ClinGen allele CA16035146.

ClinVar aggregate classification (germline): Uncertain significance. Review status: criteria provided, multiple submitters, no conflicts (2 of 4 stars). 2 submissions from 2 submitters: Uncertain significance (2). Last evaluated 2021-08-14.

Conditions:
Hereditary cancer-predisposing syndrome. Also called: Tumor predisposition; Hereditary Cancer Syndrome; Hereditary neoplastic syndrome; Neoplastic Syndromes, Hereditary. Identifiers: Orphanet 140162, MedGen C0027672, MeSH D009386, MONDO:0015356.
Familial adenomatous polyposis 1 (FAP1). Also called: FAMILIAL ADENOMATOUS POLYPOSIS 1, ATTENUATED; POLYPOSIS, ADENOMATOUS INTESTINAL. Identifiers: MedGen C2713442, MONDO:0021056, OMIM 175100. Disease mechanism: loss of function.

Submissions (2):

Labcorp Genetics (formerly Invitae), Labcorp
Classification: Uncertain significance for Familial adenomatous polyposis 1. Last evaluated: 2021-08-14. Review status: criteria provided, single submitter. Criteria: Invitae Variant Classification Sherloc (09022015). Collection method: clinical testing. Allele origin: germline.
Comment: This sequence change replaces alanine with proline at codon 2103 of the APC protein (p.Ala2103Pro). The alanine residue is highly conserved and there is a small physicochemical difference between alanine and proline. This variant is not present in population databases (ExAC no frequency). This variant has not been reported in the literature in individuals affected with APC-related conditions. Algorithms developed to predict the effect of missense changes on protein structure and function are either unavailable or do not agree on the potential impact of this missense change (SIFT: "Tolerated"; PolyPhen-2: "Probably Damaging"; Align-GVGD: "Class C0"). In summary, the available evidence is currently insufficient to determine the role of this variant in disease. Therefore, it has been classified as a Variant of Uncertain Significance.

Ambry Genetics
Classification: Uncertain significance for Hereditary cancer-predisposing syndrome. Last evaluated: 2021-04-05. Review status: criteria provided, single submitter. Criteria: Ambry Variant Classification Scheme 2023. Collection method: clinical testing. Allele origin: germline.
Comment: The p.A2103P variant (also known as c.6307G>C), located in coding exon 15 of the APC gene, results from a G to C substitution at nucleotide position 6307. The alanine at codon 2103 is replaced by proline, an amino acid with highly similar properties. This amino acid position is highly conserved in available vertebrate species. In addition, in silico predictors for this gene do not accurately predict pathogenicity. Since supporting evidence is limited at this time, the clinical significance of this alteration remains unclear.